The following is an entry in ClinVar:

ClinVar aggregate classification (germline): Likely benign. Review status: criteria provided, multiple submitters, no conflicts (2 of 4 stars). 3 submissions from 3 submitters: Likely benign (2). 1 of the submissions does not count toward it. Last evaluated 2025-12-30.

Conditions:
SLC6A8-related disorder. Also called: SLC6A8-related condition.
Creatine transporter deficiency (CCDS1). Also called: SLC6A8-Related Creatine Transporter Deficiency; CREATINE TRANSPORTER DEFECT; CEREBRAL CREATINE DEFICIENCY SYNDROME 1; Mental retardation , X-linked with seizures, short stature and midface hypoplasia; Mental retardation , X-linked, with creatine transport deficiency; X-linked creatine transporter deficiency. Identifiers: Orphanet 52503, MedGen C1845862, MONDO:0010305, OMIM 300352.

Allele frequency attached by ClinVar (database versions not stated): gnomAD 0.00002; gnomAD exomes 0.00003 and 0.00015; TOPMed 0.00007; ExAC 0.00008.
gnomAD v4.1: 39 of 1,210,131 alleles (0.0032%); highest among the groups gnomAD compares: Admixed American, 0.065%; no homozygotes.

Submissions (3):

Labcorp Genetics (formerly Invitae), Labcorp
Classification: Likely benign for Creatine transporter deficiency. Last evaluated: 2025-12-30. Review status: criteria provided, single submitter. Criteria: Invitae Variant Classification Sherloc (09022015). Collection method: clinical testing. Allele origin: germline.

GeneDx
Classification: Likely benign. Last evaluated: 2016-06-14. Review status: criteria provided, single submitter. Criteria: GeneDx Variant Classification (06012015). Collection method: clinical testing. Allele origin: germline. Affected: yes.
Comment: This variant is considered likely benign or benign based on one or more of the following criteria: it is a conservative change, it occurs at a poorly conserved position in the protein, it is predicted to be benign by multiple in silico algorithms, and/or has population frequency not consistent with disease.

PreventionGenetics, part of Exact Sciences
Classification: Likely benign for SLC6A8-related condition. Last evaluated: 2020-02-26. Review status: no assertion criteria provided. Collection method: clinical testing. Allele origin: germline. Not counted in ClinVar's aggregate classification.
Comment: This variant is classified as likely benign based on ACMG/AMP sequence variant interpretation guidelines (Richards et al. 2015 PMID: 25741868, with internal and published modifications).

NM_005629.4(SLC6A8):c.644+8C>T

Gene: SLC6A8 (solute carrier family 6 member 8; plus strand). Cytogenetic location: Xq28.
Variant type: single nucleotide variant.
Coding change: c.644+8C>T on transcript NM_005629.4 (MANE Select); 8 bases into the intron after coding-DNA position 644, C replaced by T.
Molecular consequence: intron variant.
Genome position (GRCh38, 1-based): chrX:153,691,561, C>T. VCF-style: chrX-153691561-C-T. GRCh37 (hg19) VCF-style: chrX-152957016-C-T.
Other names: c.644+8C>T (NM_001142805.2); c.299+8C>T (NM_001142806.1).
Identifiers: ClinVar variation 386740 (VCV000386740.15), dbSNP rs782433720, ClinGen allele CA10549214.